The following is an entry in ClinVar:

NM_001378778.1(MPDZ):c.4893G>T (p.Glu1631Asp)

Gene: MPDZ (multiple PDZ domain crumbs cell polarity complex component; minus strand). Cytogenetic location: 9p23.
Variant type: single nucleotide variant.
Coding change: c.4893G>T on transcript NM_001378778.1 (MANE Select); coding-DNA position 4893, G replaced by T.
Protein change: p.Glu1631Asp; replaces glutamic acid 1631 with aspartic acid.
Molecular consequence: missense variant.
Genome position (GRCh38, 1-based): chr9:13,123,213, C>A on the plus strand (G>T on the coding strand, the complement: MPDZ is on the minus strand). VCF-style: chr9-13123213-C-A. GRCh37 (hg19) VCF-style: chr9-13123212-C-A.
Other names: c.4794G>T, p.Glu1598Asp (NM_001375419.1, NM_001261406.2, NM_001261407.2 and 3 more transcripts); c.4683G>T, p.Glu1561Asp (NM_001375420.1, NM_001375421.1, NM_001375422.1 and 4 more transcripts); c.4485G>T, p.Glu1495Asp (NM_001375427.1); c.4893G>T, p.Glu1631Asp (NM_001330637.2, NM_003829.5); c.4992G>T, p.Glu1664Asp (NM_001375413.1); short protein forms E1495D, E1598D, E1631D, E1561D, E1664D.
Identifiers: ClinVar variation 2021857 (VCV002021857.4), dbSNP rs2538548120, ClinGen allele CA372945286.

ClinVar aggregate classification (germline): Uncertain significance (1 of 4 stars; one submission).

Submission:

Labcorp Genetics (formerly Invitae), Labcorp
Classification: Uncertain significance. Last evaluated: 2022-07-12. Review status: criteria provided, single submitter. Criteria: Invitae Variant Classification Sherloc (09022015). Collection method: clinical testing. Allele origin: germline.
Comment: This sequence change replaces glutamic acid, which is acidic and polar, with aspartic acid, which is acidic and polar, at codon 1631 of the MPDZ protein (p.Glu1631Asp). This variant is not present in population databases (gnomAD no frequency). This variant has not been reported in the literature in individuals affected with MPDZ-related conditions. Algorithms developed to predict the effect of missense changes on protein structure and function output the following: SIFT: "Tolerated"; PolyPhen-2: "Benign"; Align-GVGD: "Class C0". The aspartic acid amino acid residue is found in multiple mammalian species, which suggests that this missense change does not adversely affect protein function. In summary, the available evidence is currently insufficient to determine the role of this variant in disease. Therefore, it has been classified as a Variant of Uncertain Significance.